The following is an entry in ClinVar:

ClinVar aggregate classification (germline): Benign/Likely benign. Review status: criteria provided, multiple submitters, no conflicts (2 of 4 stars). 6 submissions from 6 submitters: Benign (2); Likely benign (4). Last evaluated 2026-08-01.

Conditions:
Ullrich congenital muscular dystrophy 2 (UCMD2). Identifiers: Orphanet 75840, MedGen C4225314, MONDO:0014654, OMIM 616470.
Bethlem myopathy 2 (BTHLM2). Identifiers: Orphanet 536516, Orphanet 610, MedGen C4225313, MONDO:0034022, OMIM 616471.

Allele frequency attached by ClinVar (database versions not stated): 1000 Genomes Project 0.00120; TOPMed 0.00123; 1000 Genomes Project 30x 0.00125; ESP Exome Variant Server 0.00169; gnomAD exomes 0.00215 and 0.00257; ExAC 0.00261; gnomAD 0.00274 and 0.00283.
gnomAD v4.1: 3,532 of 1,614,174 alleles (0.22%); highest among the groups gnomAD compares: Non-Finnish European, 0.22%; 5 homozygotes.

Submissions (6):

CeGaT Center for Human Genetics Tuebingen
Classification: Likely benign. Last evaluated: 2026-08-01. Review status: criteria provided, single submitter. Criteria: CeGaT Center For Human Genetics Tuebingen Variant Classification Criteria Version 2. Collection method: clinical testing. Allele origin: germline. Affected: yes. Observed: 28 variant alleles.
Comment: COL12A1: BP4, BP7

Women's Health and Genetics/Laboratory Corporation of America, LabCorp
Classification: Likely benign. Last evaluated: 2026-03-30. Review status: criteria provided, single submitter. Criteria: LabCorp Variant Classification Summary - May 2015. Collection method: clinical testing. Allele origin: germline.

Labcorp Genetics (formerly Invitae), Labcorp
Classification: Benign for Bethlem myopathy 2; Ullrich congenital muscular dystrophy 2. Last evaluated: 2026-01-27. Review status: criteria provided, single submitter. Criteria: Invitae Variant Classification Sherloc (09022015). Collection method: clinical testing. Allele origin: germline.

Mayo Clinic Laboratories, Mayo Clinic
Classification: Benign. Last evaluated: 2025-06-27. Review status: criteria provided, single submitter. Criteria: ACMG Guidelines, 2015. Collection method: clinical testing. Allele origin: germline. Observed: 12 variant alleles.
Comment: BS1, BS2, BP4, BP7

Blueprint Genetics
Classification: Likely benign. Last evaluated: 2024-11-26. Review status: criteria provided, single submitter. Criteria: ACMG Guidelines, 2015. Collection method: clinical testing. Allele origin: germline.

GeneDx
Classification: Likely benign. Last evaluated: 2020-12-08. Review status: criteria provided, single submitter. Criteria: GeneDx Variant Classification Process June 2021. Collection method: clinical testing. Allele origin: germline. Affected: yes.

NM_004370.6(COL12A1):c.5874A>G (p.Pro1958=)

Gene: COL12A1 (collagen type XII alpha 1 chain; minus strand). Cytogenetic location: 6q13.
Variant type: single nucleotide variant.
Coding change: c.5874A>G on transcript NM_004370.6 (MANE Select); coding-DNA position 5874, A replaced by G.
Protein change: p.Pro1958=; no amino-acid change (proline 1958 retained).
Molecular consequence: synonymous variant.
Genome position (GRCh38, 1-based): chr6:75,132,003, T>C on the plus strand (A>G on the coding strand, the complement: COL12A1 is on the minus strand). VCF-style: chr6-75132003-T-C. GRCh37 (hg19) VCF-style: chr6-75841719-T-C.
Other names: p.Pro1958=; c.2382A>G, p.Pro794= (NM_080645.3).
Identifiers: ClinVar variation 475879 (VCV000475879.49), dbSNP rs186035636, ClinGen allele CA3892978.